The following is an entry in ClinVar:

NM_080476.5(PIGU):c.362C>A (p.Pro121Gln)

Gene: PIGU (phosphatidylinositol glycan anchor biosynthesis class U; minus strand). Cytogenetic location: 20q11.22.
Variant type: single nucleotide variant.
Coding change: c.362C>A on transcript NM_080476.5 (MANE Select); coding-DNA position 362, C replaced by A.
Protein change: p.Pro121Gln; replaces proline 121 with glutamine.
Molecular consequence: missense variant.
Genome position (GRCh38, 1-based): chr20:34,637,942, G>T on the plus strand (C>A on the coding strand, the complement: PIGU is on the minus strand). VCF-style: chr20-34637942-G-T. GRCh37 (hg19) VCF-style: chr20-33225746-G-T.
Other names: short protein forms P121Q.
Identifiers: ClinVar variation 2047196 (VCV002047196.2), dbSNP rs2516251614, ClinGen allele CA408664847.

ClinVar aggregate classification (germline): Uncertain significance (1 of 4 stars; one submission).

gnomAD v4.1: 1 of 1,604,584 alleles (0.000062%); highest among the groups gnomAD compares: Admixed American, 0.0017%; no homozygotes.

Submission:

Labcorp Genetics (formerly Invitae), Labcorp
Classification: Uncertain significance. Last evaluated: 2023-05-15. Review status: criteria provided, single submitter. Criteria: Invitae Variant Classification Sherloc (09022015). Collection method: clinical testing. Allele origin: germline.
Comment: In summary, the available evidence is currently insufficient to determine the role of this variant in disease. Therefore, it has been classified as a Variant of Uncertain Significance. An algorithm developed to predict the effect of missense changes on protein structure and function (PolyPhen-2) suggests that this variant¬† is likely to be tolerated. ClinVar contains an entry for this variant (Variation ID: 2047196). This variant has not been reported in the literature in individuals affected with PIGU-related conditions. This variant is not present in population databases (gnomAD no frequency). This sequence change replaces proline, which is neutral and non-polar, with glutamine, which is neutral and polar, at codon 121 of the PIGU protein (p.Pro121Gln).